The following is an entry in ClinVar:

NM_000474.4(TWIST1):c.408del (p.Thr137fs)

Gene: TWIST1 (twist family bHLH transcription factor 1; minus strand). Cytogenetic location: 7p21.1.
Variant type: Deletion.
Coding change: c.408del on transcript NM_000474.4 (MANE Select); coding-DNA position 408, one base deleted (C; older notation c.408delC).
Protein change: p.Thr137fs; shifts the reading frame from threonine 137.
Molecular consequence: frameshift variant. On other transcripts: non-coding transcript variant (1).
Genome position (GRCh38, 1-based): chr7:19,116,914, G deleted on the plus strand (C on the coding strand, the reverse complement: TWIST1 is on the minus strand); the first of 4 consecutive G bases (chr7:19,116,914-19,116,917); deleting any one gives the same sequence. VCF-style (leftmost placement, unchanged base first): chr7-19116913-TG-T. GRCh37 (hg19) VCF-style: chr7-19156536-TG-T.
Other names: short protein forms T137fs.
Identifiers: ClinVar variation 2572990 (VCV002572990.1), dbSNP rs1554441993, ClinGen allele CA2580615854.

ClinVar aggregate classification (germline): Pathogenic (1 of 4 stars; one submission).

Conditions:
Saethre-Chotzen syndrome (SCS). Also called: ACROCEPHALY, SKULL ASYMMETRY, AND MILD SYNDACTYLY; ACS III; CHOTZEN SYNDROME. Identifiers: Orphanet 794, MedGen C0175699, MONDO:0007042, OMIM 101400.

Submission:

Illumina Laboratory Services, Illumina
Classification: Pathogenic for Saethre-Chotzen syndrome. Last evaluated: 2023-04-20. Review status: criteria provided, single submitter. Criteria: ICSLVariantClassificationCriteria RUGD 01 April 2020. Collection method: clinical testing. Allele origin: unknown.
Comment: The TWIST1 c.408del (p.Thr137ArgfsTer7) variant causes a shift in the protein reading frame that is predicted to result in premature termination of the protein. Loss of normal protein function through either protein truncation or nonsense-mediated mRNA decay is expected. To our knowledge, this variant has not been reported in the peer-reviewed literature. This variant is not observed in version 2.1.1 or version 3.1.2 of the Genome Aggregation Database. Based on the available evidence, the c.408del (p.Thr137ArgfsTer7) variant is classified as pathogenic for Saethre-Chotzen syndrome.